The following is an entry in ClinVar:

ClinVar aggregate classification (germline): Pathogenic. Review status: criteria provided, multiple submitters, no conflicts (2 of 4 stars). 2 submissions from 2 submitters: Pathogenic (2). Last evaluated 2024-02-24.

Conditions:
Early-infantile DEE. Also called: Ohtahara syndrome; Early infantile epileptic encephalopathy; Early infantile epileptic encephalopathy with suppression bursts. Identifiers: Orphanet 1934, MedGen C0393706, MONDO:0800491.
Severe myoclonic epilepsy in infancy (DRVT). Also called: Epileptic encephalopathy, early infantile, 6 (Dravet syndrome); SEVERE MYOCLONIC EPILEPSY OF INFANCY; DEVELOPMENTAL AND EPILEPTIC ENCEPHALOPATHY 6A; Severe Myoclonic Epilepsy in Infancy (SMEI); Dravet syndrome. Identifiers: Orphanet 33069, MedGen C0751122, MONDO:0100135, OMIM 607208.

Submissions (2):

Labcorp Genetics (formerly Invitae), Labcorp
Classification: Pathogenic for Early-infantile DEE. Last evaluated: 2024-02-24. Review status: criteria provided, single submitter. Criteria: Invitae Variant Classification Sherloc (09022015). Collection method: clinical testing. Allele origin: germline.
Comment: This sequence change creates a premature translational stop signal (p.Glu26*) in the SCN1A gene. It is expected to result in an absent or disrupted protein product. Loss-of-function variants in SCN1A are known to be pathogenic (PMID: 17347258, 18930999). This variant is not present in population databases (gnomAD no frequency). This premature translational stop signal has been observed in individual(s) with Dravet syndrome (PMID: 21248271, 32090326). ClinVar contains an entry for this variant (Variation ID: 1446170). For these reasons, this variant has been classified as Pathogenic.

3billion
Classification: Pathogenic for Severe myoclonic epilepsy in infancy. Last evaluated: 2023-08-07. Review status: criteria provided, single submitter. Criteria: ACMG Guidelines, 2015. Collection method: clinical testing. Allele origin: germline. Affected: yes.
Comment: The variant is not observed in the gnomAD v2.1.1 dataset. Predicted Consequence/Location: Stop-gained (nonsense): predicted to result in a loss or disruption of normal protein function through nonsense-mediated decay (NMD) or protein truncation. Multiple pathogenic variants are reported downstream of the variant. The variant has been reported to be associated with SCN1A related disorder (ClinVar ID: VCV001446170 /PMID: 21248271). Therefore, this variant is classified as Pathogenic according to the recommendation of ACMG/AMP guideline.

Literature cited by the submitters: PubMed 17347258 (cited by Labcorp Genetics (formerly Invitae), Labcorp); PubMed 18930999 (cited by Labcorp Genetics (formerly Invitae), Labcorp); PubMed 21248271 (cited by Labcorp Genetics (formerly Invitae), Labcorp and 3billion); PubMed 32090326 (cited by Labcorp Genetics (formerly Invitae), Labcorp).

NM_001165963.4(SCN1A):c.76G>T (p.Glu26Ter)

Gene: SCN1A (sodium voltage-gated channel alpha subunit 1; minus strand). Cytogenetic location: 2q24.3.
Variant type: single nucleotide variant.
Coding change: c.76G>T on transcript NM_001165963.4 (MANE Select); coding-DNA position 76, G replaced by T.
Protein change: p.Glu26Ter; replaces glutamic acid 26 with a stop codon.
Molecular consequence: nonsense. On other transcripts: 5 prime UTR variant (1), non-coding transcript variant (1).
Genome position (GRCh38, 1-based): chr2:166,073,546, C>A on the plus strand (G>T on the coding strand, the complement: SCN1A is on the minus strand). VCF-style: chr2-166073546-C-A. GRCh37 (hg19) VCF-style: chr2-166930056-C-A.
Other names: c.76G>T, p.Glu26Ter (NM_001165964.3, NM_001202435.3, NM_001353948.2 and 10 more transcripts); c.-2350G>T (NM_001353961.2); short protein forms E26*.
Identifiers: ClinVar variation 1446170 (VCV001446170.8), dbSNP rs76921794, ClinGen allele CA60270532.
Genomic context (GRCh38, chr2:166,073,546, plus strand): 5'-CGTCGTCATCTTTTTTGTCTGGTTTGGGATTCTTTGCCTTTTCTTCTGCAATGCGTCTTT[C>A]AATAGCCGCAAGAGATTCTCTGGTGAAGAAGTTGAAGCTGTCAGGTCCTGGTGGTACAAG-3'